The following is an entry in ClinVar:

NM_001376013.1(EPB41):c.2500C>T (p.Leu834Phe)

Gene: EPB41 (erythrocyte membrane protein band 4.1; plus strand). Cytogenetic location: 1p35.3.
Variant type: single nucleotide variant.
Coding change: c.2500C>T on transcript NM_001376013.1 (MANE Select); coding-DNA position 2500, C replaced by T.
Protein change: p.Leu834Phe; replaces leucine 834 with phenylalanine.
Molecular consequence: missense variant.
Genome position (GRCh38, 1-based): chr1:29,115,702, C>T. VCF-style: chr1-29115702-C-T. GRCh37 (hg19) VCF-style: chr1-29442214-C-T.
Other names: c.2500C>T, p.Leu834Phe (NM_001166005.2); c.1711C>T, p.Leu571Phe (NM_001166007.2); c.2431C>T, p.Leu811Phe (NM_001376014.1); c.2395C>T, p.Leu799Phe (NM_001376015.1); c.1873C>T, p.Leu625Phe (NM_001376022.1); c.1672C>T, p.Leu558Phe (NM_004437.4); c.1831C>T, p.Leu611Phe (NM_203342.3); c.2233C>T, p.Leu745Phe (NM_203343.3); short protein forms L558F, L571F, L611F, L625F, L745F, L799F, L811F, L834F.
Identifiers: ClinVar variation 4282253 (VCV004282253.1).

ClinVar aggregate classification (germline): Uncertain significance (1 of 4 stars; one submission).

Submission:

GeneDx
Classification: Uncertain significance. Last evaluated: 2025-04-15. Review status: criteria provided, single submitter. Criteria: GeneDx Variant Classification Process June 2021. Collection method: clinical testing. Allele origin: germline. Affected: yes.
Comment: Not observed at significant frequency in large population cohorts (gnomAD); In silico analysis supports that this missense variant has a deleterious effect on protein structure/function; Has not been previously published as pathogenic or benign to our knowledge